The following is an entry in ClinVar:

NM_000487.6(ARSA):c.1223G>C (p.Ser408Thr)

Gene: ARSA (arylsulfatase A; minus strand). Cytogenetic location: 22q13.33.
Variant type: single nucleotide variant.
Coding change: c.1223G>C on transcript NM_000487.6 (MANE Select); coding-DNA position 1223, G replaced by C.
Protein change: p.Ser408Thr; replaces serine 408 with threonine.
Molecular consequence: missense variant.
Genome position (GRCh38, 1-based): chr22:50,625,452, C>G on the plus strand (G>C on the coding strand, the complement: ARSA is on the minus strand). VCF-style: chr22-50625452-C-G. GRCh37 (hg19) VCF-style: chr22-51063880-C-G.
Other names: c.1223G>C, p.Ser408Thr (NM_001085425.3, NM_001085426.3, NM_001085427.3); c.965G>C, p.Ser322Thr (NM_001085428.3, NM_001362782.2); short protein forms S322T, S408T.
Identifiers: ClinVar variation 2146705 (VCV002146705.7), dbSNP rs779702635, ClinGen allele CA412169510.

ClinVar aggregate classification (germline): Likely pathogenic (1 of 4 stars; one submission).

Conditions:
Metachromatic leukodystrophy (MLD). Also called: ARSA DEFICIENCY; CEREBROSIDE SULFATASE DEFICIENCY; METACHROMATIC LEUKOENCEPHALOPATHY; SULFATIDE LIPIDOSIS; Cerebral sclerosis diffuse metachromatic form; Arylsulfatase A Deficiency. Identifiers: Orphanet 512, MedGen C0023522, MONDO:0018868, OMIM 250100.

Allele frequency attached by ClinVar (database versions not stated): 1000 Genomes Project 30x 0.00031; TOPMed 0.00005; gnomAD 0.00006; gnomAD exomes 0.00001.
gnomAD v4.1: 14 of 1,601,938 alleles (0.00087%); highest among the groups gnomAD compares: African/African-American, 0.019%; no homozygotes.

Submissions (2):

Labcorp Genetics (formerly Invitae), Labcorp
Classification: Likely pathogenic for Metachromatic leukodystrophy. Last evaluated: 2025-01-29. Review status: criteria provided, single submitter. Criteria: Invitae Variant Classification Sherloc (09022015). Collection method: clinical testing. Allele origin: germline.
Comment: This sequence change replaces serine, which is neutral and polar, with threonine, which is neutral and polar, at codon 408 of the ARSA protein (p.Ser408Thr). This variant is present in population databases (no rsID available, gnomAD 0.04%). This variant has not been reported in the literature in individuals affected with ARSA-related conditions. ClinVar contains an entry for this variant (Variation ID: 2146705). Invitae Evidence Modeling of protein sequence and biophysical properties (such as structural, functional, and spatial information, amino acid conservation, physicochemical variation, residue mobility, and thermodynamic stability) indicates that this missense variant is expected to disrupt ARSA protein function with a positive predictive value of 95%. Algorithms developed to predict the effect of sequence changes on RNA splicing suggest that this variant may create or strengthen a splice site. This variant disrupts the p.Ser408 amino acid residue in ARSA. Other variant(s) that disrupt this residue have been determined to be pathogenic (PMID: 16678723, 19606494). This suggests that this residue is clinically significant, and that variants that disrupt this residue are likely to be disease-causing. In summary, the currently available evidence indicates that the variant is pathogenic, but additional data are needed to prove that conclusively. Therefore, this variant has been classified as Likely Pathogenic.

Gelb Laboratory, University of Washington
No classification provided (evidence only). Condition: Metachromatic leukodystrophy. Review status: no classification provided. Collection method: in vitro. Allele origin: not applicable. Functional consequence: loss of function. Not counted in ClinVar's aggregate classification.

Literature cited by the submitters: PubMed 16678723 (cited by Labcorp Genetics (formerly Invitae), Labcorp); PubMed 19606494 (cited by Labcorp Genetics (formerly Invitae), Labcorp).